The following is an entry in ClinVar:

ClinVar aggregate classification (germline): Uncertain significance (1 of 4 stars; one submission).

Conditions:
Emery-Dreifuss muscular dystrophy 4, autosomal dominant (EDMD4). Also called: EMERY-DREIFUSS MUSCULAR DYSTROPHY 4 WITH VARIABLE FEATURES. Identifiers: Orphanet 261, MedGen C2751807, MONDO:0013071, OMIM 612998.
Autosomal recessive ataxia, Beauce type. Also called: Spinocerebellar ataxia, autosomal recessive 8; ATAXIA, RECESSIVE, OF BEAUCE; SYNE1-Related Autosomal Recessive Cerebellar Ataxia; SYNE1 Deficiency. Identifiers: Orphanet 88644, MedGen C1853116, MONDO:0012549, OMIM 610743.

Allele frequency attached by ClinVar (database versions not stated): gnomAD exomes below 0.00001; ExAC 0.00001; gnomAD 0.00001; TOPMed 0.00002.
gnomAD v4.1: 5 of 1,613,994 alleles (0.00031%); highest among the groups gnomAD compares: East Asian, 0.0022%; no homozygotes.

Submission:

Labcorp Genetics (formerly Invitae), Labcorp
Classification: Uncertain significance for Emery-Dreifuss muscular dystrophy 4, autosomal dominant; Autosomal recessive ataxia, Beauce type. Last evaluated: 2022-11-28. Review status: criteria provided, single submitter. Criteria: Invitae Variant Classification Sherloc (09022015). Collection method: clinical testing. Allele origin: germline.
Comment: This sequence change replaces alanine, which is neutral and non-polar, with threonine, which is neutral and polar, at codon 4193 of the SYNE1 protein (p.Ala4193Thr). In summary, the available evidence is currently insufficient to determine the role of this variant in disease. Therefore, it has been classified as a Variant of Uncertain Significance. Algorithms developed to predict the effect of missense changes on protein structure and function (SIFT, PolyPhen-2, Align-GVGD) all suggest that this variant is likely to be disruptive. ClinVar contains an entry for this variant (Variation ID: 834581). This variant has not been reported in the literature in individuals affected with SYNE1-related conditions. This variant is present in population databases (rs745331052, gnomAD 0.01%).

NM_182961.4(SYNE1):c.12790G>A (p.Ala4264Thr)

Gene: SYNE1 (spectrin repeat containing nuclear envelope protein 1; minus strand). Cytogenetic location: 6q25.2.
Variant type: single nucleotide variant.
Coding change: c.12790G>A on transcript NM_182961.4 (MANE Select); coding-DNA position 12790, G replaced by A.
Protein change: p.Ala4264Thr; replaces alanine 4264 with threonine.
Molecular consequence: missense variant.
Genome position (GRCh38, 1-based): chr6:152,334,012, C>T on the plus strand (G>A on the coding strand, the complement: SYNE1 is on the minus strand). VCF-style: chr6-152334012-C-T. GRCh37 (hg19) VCF-style: chr6-152655147-C-T.
Other names: c.12577G>A, p.Ala4193Thr (NM_033071.5); short protein forms A4264T, A4193T.
Identifiers: ClinVar variation 834581 (VCV000834581.8), dbSNP rs745331052, ClinGen allele CA4056323.